The following is an entry in ClinVar:

NC_000022.11:g.40345544T>C

Gene: ADSL (adenylosuccinate lyase; plus strand). Cytogenetic location: 22q13.1.
Variant type: single nucleotide variant.
Genome position: GRCh38 VCF-style: chr22-40345544-T-C. GRCh37 (hg19) VCF-style: chr22-40741548-T-C.
Identifiers: ClinVar variation 1469610 (VCV001469610.7), dbSNP rs2044103206, ClinGen allele CA1025766619.

ClinVar aggregate classification (germline): Uncertain significance (1 of 4 stars; one submission).

Conditions:
Adenylosuccinate lyase deficiency (ADSLD). Also called: ADSL DEFICIENCY. Identifiers: Orphanet 46, MedGen C0268126, MONDO:0007068, OMIM 103050.

Submission:

Labcorp Genetics (formerly Invitae), Labcorp
Classification: Uncertain significance for Adenylosuccinate lyase deficiency. Last evaluated: 2022-11-03. Review status: criteria provided, single submitter. Criteria: Invitae Variant Classification Sherloc (09022015). Collection method: clinical testing. Allele origin: germline.
Comment: In summary, the available evidence is currently insufficient to determine the role of this variant in disease. Therefore, it has been classified as a Variant of Uncertain Significance. Experimental studies and prediction algorithms are not available or were not evaluated, and the functional significance of this variant is currently unknown. This variant has not been reported in the literature in individuals affected with ADSL-related conditions. The frequency data for this variant in the population databases is considered unreliable, as metrics indicate insufficient coverage at this position in the gnomAD database. This variant occurs in a non-coding region of the ADSL gene. It does not change the encoded amino acid sequence of the ADSL protein.